The following is an entry in ClinVar:

NM_198576.4(AGRN):c.3460A>G (p.Met1154Val)

Gene: AGRN (agrin; plus strand). Cytogenetic location: 1p36.33.
Variant type: single nucleotide variant.
Coding change: c.3460A>G on transcript NM_198576.4 (MANE Select); coding-DNA position 3460, A replaced by G.
Protein change: p.Met1154Val; replaces methionine 1154 with valine.
Molecular consequence: missense variant.
Genome position (GRCh38, 1-based): chr1:1,047,398, A>G. VCF-style: chr1-1047398-A-G. GRCh37 (hg19) VCF-style: chr1-982778-A-G.
Other names: c.3460A>G, p.Met1154Val (NM_001305275.2); c.3145A>G, p.Met1049Val (NM_001364727.2); short protein forms M1154V, M1049V.
Identifiers: ClinVar variation 837139 (VCV000837139.5), dbSNP rs371617418, ClinGen allele CA509078.
Genomic context (GRCh38, chr1:1,047,398, plus strand): 5'-TTCCAGGGCGTCCTGGAGCTGGAGGGCGTCGAGGGCCAGGAGCTGTTCTACACGCCCGAG[A>G]TGGCTGACCCCAAGTCAGAACTGTTCGGGGAGACAGCCAGGAGCATTGAGAGCACCGTAA-3'
Protein context (NP_940978.2, residues 1144-1164): EGQELFYTPE[Met1154Val]ADPKSELFGE

ClinVar aggregate classification (germline): Uncertain significance. Review status: criteria provided, multiple submitters, no conflicts (2 of 4 stars). 2 submissions from 2 submitters: Uncertain significance (2). Last evaluated 2022-03-18.

Conditions:
Inborn genetic diseases. Identifiers: MedGen C0950123, MeSH D030342.
Congenital myasthenic syndrome 8. Also called: MYASTHENIC SYNDROME, CONGENITAL, DUE TO AGRIN DEFICIENCY; Myasthenic syndrome, congenital, 8, with pre- and postsynaptic defects. Identifiers: Orphanet 590, MedGen C3808739, MONDO:0014052, OMIM 615120.

Allele frequency attached by ClinVar (database versions not stated): gnomAD exomes 0.00001 and 0.00002; gnomAD 0.00002; TOPMed 0.00002; ExAC 0.00003; ESP Exome Variant Server 0.00008.

Submissions (2):

Labcorp Genetics (formerly Invitae), Labcorp
Classification: Uncertain significance for Congenital myasthenic syndrome 8. Last evaluated: 2022-03-18. Review status: criteria provided, single submitter. Criteria: Invitae Variant Classification Sherloc (09022015). Collection method: clinical testing. Allele origin: germline.
Comment: This sequence change replaces methionine, which is neutral and non-polar, with valine, which is neutral and non-polar, at codon 1154 of the AGRN protein (p.Met1154Val). This variant is present in population databases (rs371617418, gnomAD 0.007%). This variant has not been reported in the literature in individuals affected with AGRN-related conditions. ClinVar contains an entry for this variant (Variation ID: 837139). Algorithms developed to predict the effect of missense changes on protein structure and function are either unavailable or do not agree on the potential impact of this missense change (SIFT: "Deleterious"; PolyPhen-2: "Probably Damaging"; Align-GVGD: "Class C0"). Algorithms developed to predict the effect of sequence changes on RNA splicing suggest that this variant may create or strengthen a splice site. In summary, the available evidence is currently insufficient to determine the role of this variant in disease. Therefore, it has been classified as a Variant of Uncertain Significance.

Ambry Genetics
Classification: Uncertain significance for Inborn genetic diseases. Last evaluated: 2021-09-28. Review status: criteria provided, single submitter. Criteria: Ambry Variant Classification Scheme 2023. Collection method: clinical testing. Allele origin: germline.